The following is an entry in ClinVar:

NM_001322934.2(NFKB2):c.1892G>A (p.Arg631Gln)

Gene: NFKB2 (nuclear factor kappa B subunit 2; plus strand). Cytogenetic location: 10q24.32.
Variant type: single nucleotide variant.
Coding change: c.1892G>A on transcript NM_001322934.2 (MANE Select); coding-DNA position 1892, G replaced by A.
Protein change: p.Arg631Gln; replaces arginine 631 with glutamine.
Molecular consequence: missense variant.
Genome position (GRCh38, 1-based): chr10:102,400,748, G>A. VCF-style: chr10-102400748-G-A. GRCh37 (hg19) VCF-style: chr10-104160505-G-A.
Other names: c.1892G>A, p.Arg631Gln (NM_001077494.3, NM_001261403.3, NM_001288724.1 and 1 more transcripts); c.1766G>A, p.Arg589Gln (NM_001322935.1); short protein forms R631Q, R589Q.
Identifiers: ClinVar variation 1493812 (VCV001493812.8), dbSNP rs757608785, ClinGen allele CA5664915.
Genomic context (GRCh38, chr10:102,400,748, plus strand): 5'-GAAGCCCTGAGTGCCTGGATCTGCTGGTGGACAGTGGGGCTGAAGTGGAGGCCACAGAGC[G>A]GCAGGGGGGACGAACAGCCTTGCATCTAGCCACAGAGATGGAGGAGCTGGGGTTGGTCAC-3'
Protein context (NP_001309863.1, residues 621-641): DSGAEVEATE[Arg631Gln]QGGRTALHLA

ClinVar aggregate classification (germline): Uncertain significance (1 of 4 stars; one submission).

Conditions:
Immunodeficiency, common variable, 10. Also called: IMMUNODEFICIENCY, COMMON VARIABLE, WITH CENTRAL ADRENAL INSUFFICIENCY; DEFICIT IN ANTERIOR PITUITARY FUNCTION AND VARIABLE IMMUNODEFICIENCY. Identifiers: MedGen C3809991, MONDO:0014260, OMIM 615577.

Allele frequency attached by ClinVar (database versions not stated): ExAC 0.00001; gnomAD exomes 0.00001.
gnomAD v4.1: 13 of 1,613,318 alleles (0.00081%); highest among the groups gnomAD compares: Non-Finnish European, 0.001%; no homozygotes.

Submission:

Labcorp Genetics (formerly Invitae), Labcorp
Classification: Uncertain significance for Immunodeficiency, common variable, 10. Last evaluated: 2020-12-28. Review status: criteria provided, single submitter. Criteria: Invitae Variant Classification Sherloc (09022015). Collection method: clinical testing. Allele origin: germline.
Comment: This sequence change replaces arginine with glutamine at codon 631 of the NFKB2 protein (p.Arg631Gln). The arginine residue is moderately conserved and there is a small physicochemical difference between arginine and glutamine. This variant is present in population databases (rs757608785, ExAC 0.002%). In summary, the available evidence is currently insufficient to determine the role of this variant in disease. Therefore, it has been classified as a Variant of Uncertain Significance. Algorithms developed to predict the effect of missense changes on protein structure and function are either unavailable or do not agree on the potential impact of this missense change (SIFT: "Tolerated"; PolyPhen-2: "Possibly Damaging"; Align-GVGD: "Class C0"). This variant has not been reported in the literature in individuals with NFKB2-related conditions.